The following is an entry in ClinVar:

ClinVar aggregate classification (germline): Pathogenic/Likely pathogenic. Review status: criteria provided, multiple submitters, no conflicts (2 of 4 stars). 7 submissions from 7 submitters: Pathogenic (6); Likely pathogenic (1). Last evaluated 2026-08-19.

Conditions:
ABCB4-related disorder. Also called: ABCB4-related disorders; ABCB4-related condition.
Familial intrahepatic cholestasis. Identifiers: Orphanet 284385, MedGen CN296401, MONDO:0017290.
Low phospholipid associated cholelithiasis (GBD1). Also called: Gallstone cholecystitis; Gallbladder disease 1. Identifiers: Orphanet 69663, MedGen C2609268, MONDO:0010939, OMIM 600803.
Cholestasis, intrahepatic, of pregnancy, 3. Identifiers: Orphanet 69665, MedGen C3554241, MONDO:0013995, OMIM 614972.
Progressive familial intrahepatic cholestasis type 3. Also called: MDR3 DEFICIENCY; Low Gamma-GT Familial Intrahepatic Cholestasis. Identifiers: Orphanet 79305, MedGen C1865643, MONDO:0011214, OMIM 602347.
Progressive familial intrahepatic cholestasis (PFIC). Also called: Progressive family intrahepatic cholestasis; Progressive intrahepatic cholestasis. Identifiers: Orphanet 172, MedGen C0268312, MONDO:0015762.

gnomAD v4.1: 5 of 1,614,018 alleles (0.00031%); highest among the groups gnomAD compares: African/African-American, 0.0013%; no homozygotes.

Submissions (7):

Molecular Genetics Laboratory, CHU Lille
Classification: Pathogenic for Low phospholipid associated cholelithiasis. Last evaluated: 2026-08-19. Review status: criteria provided, single submitter. Criteria: ACMG Guidelines, 2015. Collection method: clinical testing. Allele origin: germline. Affected: yes.
Comment: This variant has been reported in the literature in multiple individuals affected by Familial Intrahepatic Cholestasis in the homozygous state, or with intrahepatic cholestasis of pregnancy in the heterozygous state. Its frequency in the general population is extremely low, and bioinformatic analyses consistently support a deleterious effect. Therefore, this variant is classified as pathogenic.

PreventionGenetics, part of Exact Sciences
Classification: Pathogenic for ABCB4-related condition. Last evaluated: 2026-06-10. Review status: criteria provided, single submitter. Criteria: ACMG Guidelines, 2015. Collection method: clinical testing. Allele origin: germline.
Comment: The ABCB4 c.1436C>T variant is predicted to result in the amino acid substitution p.Pro479Leu. This variant has been reported in the homozygous state in individuals with progressive familial intrahepatic cholestasis type 3 (PFIC3, Davit-Spraul et al. 2010. PubMed ID: 20422496; Zhang et al. 2020. PubMed ID: 33215027; Supplemental tables, El-karaksy et al. 2025. PubMed ID: 41165782), in combination with a second ABCB4 variant in individuals with progressive cholestatic liver disease (Gordo-Gilart et al. 2015. PubMed ID: 24594635; Supplementary Table 1, Chen et al. 2022. PubMed ID: 36550572), and has been noted to segregate with PFIC3 in families (Khabou et al. 2018. PubMed ID: 30036524). This variant has also been reported in the heterozygous state in individuals with intrahepatic lithiasis (Khabou et al. 2018. PubMed ID: 30036524) or intrahepatic cholestasis of pregnancy and chronic or recurrent cholestasis (Sannier et al. 2012. PubMed ID: 22527017; Aydin et al. 2020. PubMed ID: 32917322; Almes et al. 2022. PubMed ID: 35626323). In vitro experimental studies suggest this variant reduces protein expression and severely impairs phosphatidylcholine translocating activity (Gordo-Gilart et al. 2015. PubMed ID: 24594635; Khabou et al. 2018. PubMed ID: 30036524). This variant is reported in 0.0018% of alleles in individuals of European (non-Finnish) descent in gnomAD and is classified as likely pathogenic or pathogenic in ClinVar (Variation ID: 2687809). This variant is interpreted as pathogenic.

Genomenon, Inc
Classification: Pathogenic for Familial intrahepatic cholestasis. Last evaluated: 2026-04-14. Review status: criteria provided, single submitter. Criteria: Genomenon Sequence Variant Interpretation Standards - Updated. Collection method: curation. Allele origin: germline. Affected: yes.
Comment: ABCB4 p.Pro479Leu (c.1436C>T) is a missense variant that changes the amino acid at residue 479 from Proline to Leucine. This variant has been observed in at least one proband with an ABCB4-related disorder (PMID:41165782;35626323;33215027;32917322;30036524;22527017;24594635). The variant was found to segregate with disease in at least one affected family (PMID:30036524). At least one functional study has demonstrated a substantial alteration in protein function relative to the wild-type (PMID:24594635). It is absent or not present at a significant frequency in gnomAD. In silico models predict that this variant is possibly or probably damaging. In conclusion, we classify ABCB4 p.Pro479Leu (c.1436C>T) as a pathogenic variant.

Immunogenetics and Transplant Biology Service, University Hospital "Città della Salute e della Scienza di Torino"
Classification: Likely pathogenic for Cholestasis, intrahepatic, of pregnancy, 3; Progressive familial intrahepatic cholestasis type 3. Last evaluated: 2025-06-28. Review status: criteria provided, single submitter. Criteria: ACMG Guidelines, 2015. Collection method: clinical testing. Allele origin: germline. Affected: yes.

Women's Health and Genetics/Laboratory Corporation of America, LabCorp
Classification: Pathogenic for Progressive familial intrahepatic cholestasis. Last evaluated: 2024-08-14. Review status: criteria provided, single submitter. Criteria: LabCorp Variant Classification Summary - May 2015. Collection method: clinical testing. Allele origin: germline.
Comment: Variant summary: ABCB4 c.1436C>T (p.Pro479Leu) results in a non-conservative amino acid change located in the ABC transporter-like, ATP-binding domain (IPR003439) of the encoded protein sequence. Five of five in-silico tools predict a damaging effect of the variant on protein function. The variant allele was found at a frequency of 8e-06 in 251244 control chromosomes (gnomAD). c.1436C>T has been reported in the literature in multiple individuals affected with Familial Intrahepatic Cholestasis in the homozygous state (e.g. Davit-Spraul_2010, Khabou_2018) or with intrahepatic cholestatis of pregnancy in the heterozygous state (Sannier_2012). These data indicate that the variant is very likely to be associated with disease. The following publications have been ascertained in the context of this evaluation (PMID: 20422496, 22527017, 30036524). ClinVar contains an entry for this variant (Variation ID: 2687809). Based on the evidence outlined above, the variant was classified as pathogenic.

Labcorp Genetics (formerly Invitae), Labcorp
Classification: Pathogenic. Last evaluated: 2023-08-28. Review status: criteria provided, single submitter. Criteria: Invitae Variant Classification Sherloc (09022015). Collection method: clinical testing. Allele origin: germline.
Comment: For these reasons, this variant has been classified as Pathogenic. Advanced modeling of protein sequence and biophysical properties (such as structural, functional, and spatial information, amino acid conservation, physicochemical variation, residue mobility, and thermodynamic stability) has been performed at Invitae for this missense variant, however the output from this modeling did not meet the statistical confidence thresholds required to predict the impact of this variant on ABCB4 protein function. This missense change has been observed in individuals with autosomal recessive progressive familial intrahepatic cholestasis type 3 (PMID: 20422496, 30036524). It has also been observed to segregate with disease in related individuals. This variant is present in population databases (no rsID available, gnomAD 0.002%). This sequence change replaces proline, which is neutral and non-polar, with leucine, which is neutral and non-polar, at codon 479 of the ABCB4 protein (p.Pro479Leu).

Rolfs Rare Disease Consulting, Rolfs Consulting Und Verwaltungs GmbH
Classification: Pathogenic for Progressive familial intrahepatic cholestasis type 3. Last evaluated: 2021-01-01. Review status: criteria provided, single submitter. Criteria: ACMG Guidelines, 2015. Collection method: clinical testing. Allele origin: germline. Affected: yes.

Literature cited by the submitters: PubMed 41165782 (cited by Genomenon, Inc); PubMed 35626323 (cited by Genomenon, Inc); PubMed 33215027 (cited by Genomenon, Inc); PubMed 32917322 (cited by Genomenon, Inc); PubMed 30036524 (cited by 3 submitters); PubMed 22527017 (cited by Genomenon, Inc and Women's Health and Genetics/Laboratory Corporation of America, LabCorp); PubMed 24594635 (cited by Genomenon, Inc); PubMed 20422496 (cited by Women's Health and Genetics/Laboratory Corporation of America, LabCorp and Labcorp Genetics (formerly Invitae), Labcorp).

NM_000443.4(ABCB4):c.1436C>T (p.Pro479Leu)

Gene: ABCB4 (ATP binding cassette subfamily B member 4; minus strand). Cytogenetic location: 7q21.12.
Variant type: single nucleotide variant.
Coding change: c.1436C>T on transcript NM_000443.4 (MANE Select); coding-DNA position 1436, C replaced by T.
Protein change: p.Pro479Leu; replaces proline 479 with leucine.
Molecular consequence: missense variant.
Genome position (GRCh38, 1-based): chr7:87,440,323, G>A on the plus strand (C>T on the coding strand, the complement: ABCB4 is on the minus strand). VCF-style: chr7-87440323-G-A. GRCh37 (hg19) VCF-style: chr7-87069639-G-A.
Other names: c.1436C>T (NM_000443.3); c.1436C>T, p.Pro479Leu (NM_018849.3, NM_018850.3); short protein forms P479L.
Identifiers: ClinVar variation 2687809 (VCV002687809.9), dbSNP rs748657435, ClinGen allele CA368042133.